The following is an entry in ClinVar:

ClinVar aggregate classification (germline): Uncertain significance (1 of 4 stars; one submission).

gnomAD v4.1: 16 of 1,613,564 alleles (0.00099%); highest among the groups gnomAD compares: Non-Finnish European, 0.0014%; no homozygotes.

Submission:

Labcorp Genetics (formerly Invitae), Labcorp
Classification: Uncertain significance. Last evaluated: 2025-04-11. Review status: criteria provided, single submitter. Criteria: Invitae Variant Classification Sherloc (09022015). Collection method: clinical testing. Allele origin: germline.
Comment: This sequence change replaces phenylalanine, which is neutral and non-polar, with serine, which is neutral and polar, at codon 41 of the SLC44A4 protein (p.Phe41Ser). This variant is present in population databases (rs376956552, gnomAD 0.0009%). This variant has not been reported in the literature in individuals affected with SLC44A4-related conditions. Invitae Evidence Modeling of protein sequence and biophysical properties (such as structural, functional, and spatial information, amino acid conservation, physicochemical variation, residue mobility, and thermodynamic stability) indicates that this missense variant is expected to disrupt SLC44A4 protein function with a positive predictive value of 80%. In summary, the available evidence is currently insufficient to determine the role of this variant in disease. Therefore, it has been classified as a Variant of Uncertain Significance.

NM_025257.3(SLC44A4):c.122T>C (p.Phe41Ser)

Gene: SLC44A4 (solute carrier family 44 member 4; minus strand). Cytogenetic location: 6p21.33.
Variant type: single nucleotide variant.
Coding change: c.122T>C on transcript NM_025257.3 (MANE Select); coding-DNA position 122, T replaced by C.
Protein change: p.Phe41Ser; replaces phenylalanine 41 with serine.
Molecular consequence: missense variant. On other transcripts: 5 prime UTR variant (1).
Genome position (GRCh38, 1-based): chr6:31,876,097, A>G on the plus strand (T>C on the coding strand, the complement: SLC44A4 is on the minus strand). VCF-style: chr6-31876097-A-G. GRCh37 (hg19) VCF-style: chr6-31843874-A-G.
Other names: c.122T>C, p.Phe41Ser (NM_001178044.2); c.-107T>C (NM_001178045.2); short protein forms F41S.
Identifiers: ClinVar variation 4798244 (VCV004798244.1).
Genomic context (GRCh38, chr6:31,876,097, plus strand): 5'-TGAGCAGCTGGAAACTCACCCACAATCCCCACCACGATGTAACCTAGAATGAAGAGCAGG[A>G]AGAGGACGCAGCAGATGACATCTGTGCAGCTTCTGAGAGAGAAACGAAACGGGAGGCTGA-3'
Protein context (NP_079533.2, residues 31-51): SCTDVICCVL[Phe41Ser]LLFILGYIVV